The following is an entry in ClinVar:

ClinVar aggregate classification (germline): Uncertain significance (1 of 4 stars; one submission).

Conditions:
Aortic aneurysm, familial thoracic 7 (AAT7). Also called: AORTIC DISSECTION, FAMILIAL, WITH OR WITHOUT AORTIC ANEURYSM. Identifiers: MedGen C3151077, MONDO:0013418, OMIM 613780.

Allele frequency attached by ClinVar (database versions not stated): gnomAD exomes below 0.00001.
gnomAD v4.1: 1 of 1,614,010 alleles (0.000062%); highest among the groups gnomAD compares: South Asian, 0.0011%; no homozygotes.

Submission:

Labcorp Genetics (formerly Invitae), Labcorp
Classification: Uncertain significance for Aortic aneurysm, familial thoracic 7. Last evaluated: 2023-02-06. Review status: criteria provided, single submitter. Criteria: Invitae Variant Classification Sherloc (09022015). Collection method: clinical testing. Allele origin: germline.
Comment: In summary, the available evidence is currently insufficient to determine the role of this variant in disease. Therefore, it has been classified as a Variant of Uncertain Significance. Advanced modeling of protein sequence and biophysical properties (such as structural, functional, and spatial information, amino acid conservation, physicochemical variation, residue mobility, and thermodynamic stability) performed at Invitae indicates that this missense variant is not expected to disrupt MYLK protein function. This variant has not been reported in the literature in individuals affected with MYLK-related conditions. This variant is not present in population databases (gnomAD no frequency). This sequence change replaces aspartic acid, which is acidic and polar, with tyrosine, which is neutral and polar, at codon 1829 of the MYLK protein (p.Asp1829Tyr).

NM_053025.4(MYLK):c.5485G>T (p.Asp1829Tyr)

Genes: MYLK (myosin light chain kinase; minus strand), MYLK-AS1 (MYLK antisense RNA 1; plus strand). Cytogenetic location: 3q21.1.
Variant type: single nucleotide variant.
Coding change: c.5485G>T on transcript NM_053025.4 (MANE Select); coding-DNA position 5485, G replaced by T.
Protein change: p.Asp1829Tyr; replaces aspartic acid 1829 with tyrosine.
Molecular consequence: missense variant.
Genome position (GRCh38, 1-based): chr3:123,618,654, C>A on the plus strand (G>T on the coding strand, the complement: MYLK is on the minus strand). VCF-style: chr3-123618654-C-A. GRCh37 (hg19) VCF-style: chr3-123337501-C-A.
Other names: c.4957G>T, p.Asp1653Tyr (NM_001321309.2); c.5278G>T, p.Asp1760Tyr (NM_053026.4); c.5332G>T, p.Asp1778Tyr (NM_053027.4); c.5125G>T, p.Asp1709Tyr (NM_053028.4); c.202G>T, p.Asp68Tyr (NM_053031.4); c.205G>T, p.Asp69Tyr (NM_053032.4); short protein forms D1653Y, D1709Y, D68Y, D69Y, D1760Y, D1778Y, D1829Y.
Identifiers: ClinVar variation 2834946 (VCV002834946.3), dbSNP rs2472830308, ClinGen allele CA354230845.
Genomic context (GRCh38, chr3:123,618,654, plus strand): 5'-AGCCACACCCTATTCATGGTGAAGAGAAGCACAGCTACAACTTACCTTCAATCTTGCAGT[C>A]AAATCTAGCAGCACTTCCCTCCACAACTTCTAAATCGCGAATGGTCTTAGAGAAATAGGG-3'
Protein context (NP_444253.3, residues 1819-1839): EVVEGSAARF[Asp1829Tyr]CKIEGYPDPE